The following is an entry in ClinVar:

NM_001042492.3(NF1):c.4333A>G (p.Ile1445Val)

Gene: NF1 (neurofibromin 1; plus strand). Cytogenetic location: 17q11.2.
Variant type: single nucleotide variant.
Coding change: c.4333A>G on transcript NM_001042492.3 (MANE Select); coding-DNA position 4333, A replaced by G.
Protein change: p.Ile1445Val; replaces isoleucine 1445 with valine.
Molecular consequence: missense variant.
Genome position (GRCh38, 1-based): chr17:31,259,032, A>G. VCF-style: chr17-31259032-A-G. GRCh37 (hg19) VCF-style: chr17-29586050-A-G.
Other names: c.4270A>G, p.Ile1424Val (NM_000267.4); short protein forms I1445V, I1424V.
Identifiers: ClinVar variation 2159536 (VCV002159536.6), dbSNP rs1555618637, ClinGen allele CA398998676.

ClinVar aggregate classification (germline): Uncertain significance. Review status: criteria provided, multiple submitters, no conflicts (2 of 4 stars). 3 submissions from 3 submitters: Uncertain significance (3). Last evaluated 2023-09-06.

Conditions:
Neurofibromatosis, type 1 (NF1). Also called: Neurofibromatosis, type I; VON RECKLINGHAUSEN DISEASE; NEUROFIBROMATOSIS, TYPE I, SOMATIC; Peripheral type neurofibromatosis. Identifiers: Orphanet 636, MedGen C0027831, MONDO:0018975, OMIM 162200. Disease mechanism: loss of function.
Hereditary cancer-predisposing syndrome. Also called: Neoplastic Syndromes, Hereditary; Hereditary Cancer Syndrome; Hereditary neoplastic syndrome; Tumor predisposition. Identifiers: Orphanet 140162, MedGen C0027672, MeSH D009386, MONDO:0015356.
Cardiovascular phenotype. Identifiers: MedGen CN230736.

Allele frequency attached by ClinVar (database versions not stated): gnomAD exomes below 0.00001.
gnomAD v4.1: 5 of 1,580,534 alleles (0.00032%); highest among the groups gnomAD compares: Non-Finnish European, 0.00043%; no homozygotes.

Submissions (3):

GeneDx
Classification: Uncertain significance. Last evaluated: 2023-09-06. Review status: criteria provided, single submitter. Criteria: GeneDx Variant Classification Process June 2021. Collection method: clinical testing. Allele origin: germline. Affected: yes.
Comment: Not observed at significant frequency in large population cohorts (gnomAD); In silico analysis supports that this missense variant does not alter protein structure/function; Identified among unaffected controls only in breast and biliary tract cancer case-control studies (Momozawa et al., 2018; Okawa et al., 2023); This variant is associated with the following publications: (PMID: 36243179, 25486365, 22807134, 30287823)

Ambry Genetics
Classification: Uncertain significance for Cardiovascular phenotype; Hereditary cancer-predisposing syndrome. Last evaluated: 2023-07-06. Review status: criteria provided, single submitter. Criteria: Ambry Variant Classification Scheme 2023. Collection method: clinical testing. Allele origin: germline.
Comment: The p.I1424V variant (also known as c.4270A>G) is located in coding exon 32 of the NF1 gene. The isoleucine at codon 1424 is replaced by valine, an amino acid with highly similar properties. This change occurs in the first base pair of coding exon 32. This amino acid position is well conserved in available vertebrate species. In addition, this alteration is predicted to be tolerated by in silico analysis. Since supporting evidence is limited at this time, the clinical significance of this alteration remains unclear.

Labcorp Genetics (formerly Invitae), Labcorp
Classification: Uncertain significance for Neurofibromatosis, type 1. Last evaluated: 2022-06-09. Review status: criteria provided, single submitter. Criteria: Invitae Variant Classification Sherloc (09022015). Collection method: clinical testing. Allele origin: germline.
Comment: This variant is not present in population databases (gnomAD no frequency). This sequence change replaces isoleucine, which is neutral and non-polar, with valine, which is neutral and non-polar, at codon 1424 of the NF1 protein (p.Ile1424Val). This variant has not been reported in the literature in individuals affected with NF1-related conditions. In summary, the available evidence is currently insufficient to determine the role of this variant in disease. Therefore, it has been classified as a Variant of Uncertain Significance. Algorithms developed to predict the effect of missense changes on protein structure and function output the following: SIFT: "Tolerated"; PolyPhen-2: "Benign"; Align-GVGD: "Class C0". The valine amino acid residue is found in multiple mammalian species, which suggests that this missense change does not adversely affect protein function.